The following is an entry in ClinVar:

ClinVar aggregate classification (germline): Uncertain significance (1 of 4 stars; one submission).

Submission:

GeneDx
Classification: Uncertain significance. Last evaluated: 2016-12-21. Review status: criteria provided, single submitter. Criteria: GeneDx Variant Classification (06012015). Collection method: clinical testing. Allele origin: germline. Affected: yes.
Comment: The c.488+2T>C variant in the UPK3A gene has not been reported previously as a pathogenic variant nor as a benign variant, to our knowledge. This splice site variant destroys the canonical splice donor site in intron 3. It is predicted to cause abnormal gene splicing, either leading to an abnormal message that is subject to nonsense-mediated mRNA decay, or to an abnormal protein product if the message is used for protein translation. The c.488+2T>C variant was not observed in approximately 6,500 individuals of European and African American ancestry in the NHLBI Exome Sequencing Project, indicating it is not a common benign variant in these populations. We interpret c.488+2T>C as a variant of uncertain significance.

NM_006953.4(UPK3A):c.488+2T>C

Gene: UPK3A (uroplakin 3A; plus strand). Cytogenetic location: 22q13.31.
Variant type: single nucleotide variant.
Coding change: c.488+2T>C on transcript NM_006953.4 (MANE Select); the canonical splice donor site of the intron after coding-DNA position 488, T replaced by C.
Molecular consequence: splice donor variant. On other transcripts: intron variant (1).
Genome position (GRCh38, 1-based): chr22:45,287,453, T>C. VCF-style: chr22-45287453-T-C. GRCh37 (hg19) VCF-style: chr22-45683334-T-C.
Other names: c.208+1357T>C (NM_001167574.2).
Identifiers: ClinVar variation 391586 (VCV000391586.2), dbSNP rs1057524150, ClinGen allele CA16609103.